The following is an entry in ClinVar:

ClinVar aggregate classification (germline): Uncertain significance. Review status: criteria provided, multiple submitters, no conflicts (2 of 4 stars). 2 submissions from 2 submitters: Uncertain significance (2). Last evaluated 2024-04-10.

gnomAD v4.1: 34 of 1,552,638 alleles (0.0022%); highest among the groups gnomAD compares: Non-Finnish European, 0.0029%; no homozygotes.

Submissions (2):

Labcorp Genetics (formerly Invitae), Labcorp
Classification: Uncertain significance. Last evaluated: 2024-04-10. Review status: criteria provided, single submitter. Criteria: Invitae Variant Classification Sherloc (09022015). Collection method: clinical testing. Allele origin: germline.
Comment: This sequence change replaces glutamic acid, which is acidic and polar, with glycine, which is neutral and non-polar, at codon 1457 of the NIN protein (p.Glu1457Gly). This variant is present in population databases (rs746979536, gnomAD 0.007%). This variant has not been reported in the literature in individuals affected with NIN-related conditions. An algorithm developed to predict the effect of missense changes on protein structure and function (PolyPhen-2) suggests that this variant is likely to be tolerated. In summary, the available evidence is currently insufficient to determine the role of this variant in disease. Therefore, it has been classified as a Variant of Uncertain Significance.

Blueprint Genetics
Classification: Uncertain significance. Last evaluated: 2019-09-04. Review status: criteria provided, single submitter. Criteria: ACMG Guidelines, 2015. Collection method: clinical testing. Allele origin: germline.

NM_020921.4(NIN):c.4370A>G (p.Glu1457Gly)

Gene: NIN (ninein; minus strand). Cytogenetic location: 14q22.1.
Variant type: single nucleotide variant.
Coding change: c.4370A>G on transcript NM_020921.4 (MANE Select); coding-DNA position 4370, A replaced by G.
Protein change: p.Glu1457Gly; replaces glutamic acid 1457 with glycine.
Molecular consequence: missense variant. On other transcripts: intron variant (1).
Genome position (GRCh38, 1-based): chr14:50,756,660, T>C on the plus strand (A>G on the coding strand, the complement: NIN is on the minus strand). VCF-style: chr14-50756660-T-C. GRCh37 (hg19) VCF-style: chr14-51223378-T-C.
Other names: c.4370A>G, p.Glu1457Gly (NM_182944.3, NM_182946.2); c.2400-1793A>G (NM_016350.5); short protein forms E1457G.
Identifiers: ClinVar variation 3614780 (VCV003614780.3).